The following is an entry in ClinVar:

ClinVar aggregate classification (germline): Pathogenic (1 of 4 stars; one submission).

Conditions:
Primary ciliary dyskinesia. Also called: Ciliary dyskinesia. Identifiers: Orphanet 244, MedGen C0008780, MONDO:0016575, HP:0012265.

Submission:

Labcorp Genetics (formerly Invitae), Labcorp
Classification: Pathogenic for Primary ciliary dyskinesia. Last evaluated: 2023-02-24. Review status: criteria provided, single submitter. Criteria: Invitae Variant Classification Sherloc (09022015). Collection method: clinical testing. Allele origin: germline.
Comment: For these reasons, this variant has been classified as Pathogenic. This sequence change creates a premature translational stop signal (p.Leu579Glnfs*12) in the DNAH11 gene. It is expected to result in an absent or disrupted protein product. Loss-of-function variants in DNAH11 are known to be pathogenic (PMID: 18022865, 20513915, 22184204). The frequency data for this variant in the population databases is considered unreliable, as metrics indicate poor data quality at this position in the gnomAD database. This variant has not been reported in the literature in individuals affected with DNAH11-related conditions. Algorithms developed to predict the effect of sequence changes on RNA splicing suggest that this variant may disrupt the consensus splice site.

Literature cited by the submitters: PubMed 18022865; PubMed 20513915; PubMed 22184204.

NM_001277115.2(DNAH11):c.1736_1764del (p.Leu579fs)

Gene: DNAH11 (dynein axonemal heavy chain 11; plus strand). Cytogenetic location: 7p15.3.
Variant type: Deletion.
Coding change: c.1736_1764del on transcript NM_001277115.2 (MANE Select); coding-DNA positions 1736 to 1764, 29 bases deleted (TAGAGAAGCCAGTTGTCATGGAAATTTTC).
Protein change: p.Leu579fs; shifts the reading frame from leucine 579.
Molecular consequence: frameshift variant.
Genome position (GRCh38, 1-based): chr7:21,588,089-21,588,117, TAGAGAAGCCAGTTGTCATGGAAATTTTC deleted; deleting any 29 consecutive bases within chr7:21,588,078-21,588,117 gives the same sequence; the c. name uses the placement nearest the transcript's 3' end. VCF-style (leftmost placement, unchanged base first): chr7-21588077-TTGGAAATTTTCTAGAGAAGCCAGTTGTCA-T. GRCh37 (hg19) VCF-style: chr7-21627695-TTGGAAATTTTCTAGAGAAGCCAGTTGTCA-T.
Other names: c.1736_1764del29, p.Leu579Glnfs (NM_003777.3); short protein forms L579fs.
Identifiers: ClinVar variation 2887654 (VCV002887654.3), dbSNP rs780948319, ClinGen allele CA4179086.